The following is an entry in ClinVar:

ClinVar aggregate classification (germline): Pathogenic (1 of 4 stars; one submission).

Conditions:
Developmental and epileptic encephalopathy, 2 (DEE2). Also called: INFANTILE SPASM SYNDROME, X-LINKED 2; CDKL5 deficiency disorder. Identifiers: Orphanet 1934, Orphanet 3451, Orphanet 505652, MedGen C4750718, MONDO:0010396, OMIM 300672.
Angelman syndrome-like. Identifiers: MedGen CN128785.

Submission:

Labcorp Genetics (formerly Invitae), Labcorp
Classification: Pathogenic for Developmental and epileptic encephalopathy, 2; Angelman syndrome-like. Last evaluated: 2022-05-31. Review status: criteria provided, single submitter. Criteria: Invitae Variant Classification Sherloc (09022015). Collection method: clinical testing. Allele origin: germline.
Comment: This sequence change creates a premature translational stop signal (p.Gly597Alafs*19) in the CDKL5 gene. It is expected to result in an absent or disrupted protein product. Loss-of-function variants in CDKL5 are known to be pathogenic (PMID: 22872100). This variant is not present in population databases (gnomAD no frequency). This variant has not been reported in the literature in individuals affected with CDKL5-related conditions. For these reasons, this variant has been classified as Pathogenic.

Literature cited by the submitters: PubMed 22872100.

NM_001323289.2(CDKL5):c.1790del (p.Gly597fs)

Gene: CDKL5 (cyclin dependent kinase like 5; plus strand). Cytogenetic location: Xp22.13.
Variant type: Deletion.
Coding change: c.1790del on transcript NM_001323289.2 (MANE Select); coding-DNA position 1790, one base deleted (G; older notation c.1790delG).
Protein change: p.Gly597fs; shifts the reading frame from glycine 597.
Molecular consequence: frameshift variant.
Genome position (GRCh38, 1-based): chrX:18,604,714, G deleted; the last of 3 consecutive G bases (chrX:18,604,712-18,604,714); deleting any one gives the same sequence. VCF-style (leftmost placement, unchanged base first): chrX-18604711-TG-T. GRCh37 (hg19) VCF-style: chrX-18622831-TG-T.
Other names: c.1790del, p.Gly597fs (NM_001037343.2, NM_003159.3); short protein forms G597fs.
Identifiers: ClinVar variation 2001461 (VCV002001461.4), dbSNP rs2518875430, ClinGen allele CA2580100477.